The following is an entry in ClinVar:

ClinVar aggregate classification (germline): Pathogenic (0 of 4 stars; one submission).

Conditions:
Developmental and epileptic encephalopathy, 19 (DEE19). Also called: Epileptic encephalopathy, early infantile, 19. Identifiers: Orphanet 33069, MedGen C3810400, MONDO:0014328, OMIM 615744.

Submission:

Cytoplasmic Inheritance Laboratory, Institute of Genetics and Cytology
Classification: Pathogenic for Developmental and epileptic encephalopathy, 19. Last evaluated: 2020-11-19. Review status: no assertion criteria provided. Collection method: clinical testing. Allele origin: de novo. Affected: yes. Observed: 1 variant allele.
Comment: We consider the variant NM_001127643.2:c.1015A>G as disease-causing; it results in an amino acid substitution.

The variant is absent in publicly available population databases (gnomAD, 1000Genomes, HGMD).

NM_001127644.2(GABRA1):c.1015A>G (p.Lys339Glu)

Gene: GABRA1 (gamma-aminobutyric acid type A receptor subunit alpha1; plus strand). Cytogenetic location: 5q34.
Variant type: single nucleotide variant.
Coding change: c.1015A>G on transcript NM_001127644.2 (MANE Select); coding-DNA position 1015, A replaced by G.
Protein change: p.Lys339Glu; replaces lysine 339 with glutamic acid.
Molecular consequence: missense variant.
Genome position (GRCh38, 1-based): chr5:161,895,824, A>G. VCF-style: chr5-161895824-A-G. GRCh37 (hg19) VCF-style: chr5-161322830-A-G.
Other names: c.1015A>G, p.Lys339Glu (NM_000806.5, NM_001127643.2, NM_001127645.2 and 1 more transcripts); short protein forms K339E.
Identifiers: ClinVar variation 997693 (VCV000997693.2), dbSNP rs1755339912, ClinGen allele CA362180412.